The following is an entry in ClinVar:

NM_001077653.2(TBX20):c.331G>A (p.Asp111Asn)

Gene: TBX20 (T-box transcription factor 20; minus strand). Cytogenetic location: 7p14.2.
Variant type: single nucleotide variant.
Coding change: c.331G>A on transcript NM_001077653.2 (MANE Select); coding-DNA position 331, G replaced by A.
Protein change: p.Asp111Asn; replaces aspartic acid 111 with asparagine.
Molecular consequence: missense variant.
Genome position (GRCh38, 1-based): chr7:35,250,000, C>T on the plus strand (G>A on the coding strand, the complement: TBX20 is on the minus strand). VCF-style: chr7-35250000-C-T. GRCh37 (hg19) VCF-style: chr7-35289612-C-T.
Other names: c.331G>A, p.Asp111Asn (NM_001166220.1); short protein forms D111N.
Identifiers: ClinVar variation 2996404 (VCV002996404.3), dbSNP rs2128716129, ClinGen allele CA367264991.

ClinVar aggregate classification (germline): Uncertain significance (1 of 4 stars; one submission).

Submission:

Labcorp Genetics (formerly Invitae), Labcorp
Classification: Uncertain significance. Last evaluated: 2024-01-29. Review status: criteria provided, single submitter. Criteria: Invitae Variant Classification Sherloc (09022015). Collection method: clinical testing. Allele origin: germline.
Comment: This sequence change replaces aspartic acid, which is acidic and polar, with asparagine, which is neutral and polar, at codon 111 of the TBX20 protein (p.Asp111Asn). This variant is not present in population databases (gnomAD no frequency). This variant has not been reported in the literature in individuals affected with TBX20-related conditions. Advanced modeling of protein sequence and biophysical properties (such as structural, functional, and spatial information, amino acid conservation, physicochemical variation, residue mobility, and thermodynamic stability) performed at Invitae indicates that this missense variant is not expected to disrupt TBX20 protein function with a negative predictive value of 80%. In summary, the available evidence is currently insufficient to determine the role of this variant in disease. Therefore, it has been classified as a Variant of Uncertain Significance.